The following is an entry in ClinVar:

NM_000071.3(CBS):c.1552+1G>A

Gene: CBS (cystathionine beta-synthase; minus strand). Cytogenetic location: 21q22.3.
Variant type: single nucleotide variant.
Coding change: c.1552+1G>A on transcript NM_000071.3 (MANE Select); the canonical splice donor site of the intron after coding-DNA position 1552, G replaced by A.
Molecular consequence: splice donor variant.
Genome position (GRCh38, 1-based): chr21:43,056,802, C>T on the plus strand (G>A on the coding strand, the complement: CBS is on the minus strand). VCF-style: chr21-43056802-C-T. GRCh37 (hg19) VCF-style: chr21-44476912-C-T.
Other names: c.1552+1G>A (NM_001320298.2, NM_001178009.3, NM_001178008.3); c.1237+1G>A (NM_001321072.1).
Identifiers: ClinVar variation 554559 (VCV000554559.5), dbSNP rs1434118781, ClinGen allele CA410395508.

ClinVar aggregate classification (germline): Pathogenic/Likely pathogenic. Review status: criteria provided, multiple submitters, no conflicts (2 of 4 stars). 3 submissions from 3 submitters: Pathogenic (1); Likely pathogenic (1). 1 of the submissions does not count toward it. Last evaluated 2024-09-03.

Conditions:
HYPERHOMOCYSTEINEMIA, THROMBOTIC, CBS-RELATED. Identifiers: MedGen C3150344, OMIM 236200.
Classic homocystinuria. Also called: Homocystinuria due to CBS deficiency; Cystathionine beta-synthase deficiency; CBS deficiency; HOMOCYSTINURIA WITH OR WITHOUT RESPONSE TO PYRIDOXINE; Homocystinuria due to Cystathionine Beta-Synthase Deficiency. Identifiers: Orphanet 394, MedGen C0751202, MONDO:0009352, OMIM 236200.

Submissions (3):

Labcorp Genetics (formerly Invitae), Labcorp
Classification: Pathogenic for HYPERHOMOCYSTEINEMIA, THROMBOTIC, CBS-RELATED. Last evaluated: 2024-09-03. Review status: criteria provided, single submitter. Criteria: Invitae Variant Classification Sherloc (09022015). Collection method: clinical testing. Allele origin: germline.
Comment: This sequence change affects a donor splice site in intron 16 of the CBS gene. While this variant is not anticipated to result in nonsense mediated decay, it likely alters RNA splicing and results in a disrupted protein product. This variant is not present in population databases (gnomAD no frequency). This variant has not been reported in the literature in individuals affected with CBS-related conditions. ClinVar contains an entry for this variant (Variation ID: 554559). Variants that disrupt the consensus splice site are a relatively common cause of aberrant splicing (PMID: 17576681, 9536098). Algorithms developed to predict the effect of sequence changes on RNA splicing suggest that this variant may disrupt the consensus splice site. This variant disrupts a region of the CBS protein in which other variant(s) (p.Gln526*) have been determined to be pathogenic (internal data). This suggests that this is a clinically significant region of the protein, and that variants that disrupt it are likely to be disease-causing. For these reasons, this variant has been classified as Pathogenic.

Baylor Genetics
Classification: Likely pathogenic for Classic homocystinuria. Last evaluated: 2022-10-19. Review status: criteria provided, single submitter. Criteria: ACMG Guidelines, 2015. Collection method: clinical testing. Allele origin: unknown.

Counsyl
Classification: Likely pathogenic for Classic homocystinuria. Last evaluated: 2017-10-25. Review status: no assertion criteria provided. Collection method: clinical testing. Allele origin: unknown. Not counted in ClinVar's aggregate classification.

Literature cited by the submitters: PubMed 17576681 (cited by Labcorp Genetics (formerly Invitae), Labcorp); PubMed 9536098 (cited by Labcorp Genetics (formerly Invitae), Labcorp).